The following is an entry in ClinVar:

ClinVar aggregate classification (germline): Uncertain significance (1 of 4 stars; one submission).

Conditions:
Hyperphosphatasia with impaired intellectual development syndrome 2. Also called: Hyperphosphatasia with intellectual disability syndrome 2; GLYCOSYLPHOSPHATIDYLINOSITOL BIOSYNTHESIS DEFECT 6. Identifiers: Orphanet 247262, MedGen C3553637, MONDO:0013882, OMIM 614749.

Allele frequency attached by ClinVar (database versions not stated): ExAC 0.00001; gnomAD exomes below 0.00001.
gnomAD v4.1: 1 of 1,611,238 alleles (0.000062%); highest among the groups gnomAD compares: South Asian, 0.0011%; no homozygotes.

Submission:

Labcorp Genetics (formerly Invitae), Labcorp
Classification: Uncertain significance for Hyperphosphatasia with impaired intellectual development syndrome 2. Last evaluated: 2022-06-20. Review status: criteria provided, single submitter. Criteria: Invitae Variant Classification Sherloc (09022015). Collection method: clinical testing. Allele origin: germline.
Comment: In summary, the available evidence is currently insufficient to determine the role of this variant in disease. Therefore, it has been classified as a Variant of Uncertain Significance. Algorithms developed to predict the effect of missense changes on protein structure and function are either unavailable or do not agree on the potential impact of this missense change (SIFT: "Deleterious"; PolyPhen-2: "Probably Damaging"; Align-GVGD: "Class C0"). This variant has not been reported in the literature in individuals affected with PIGO-related conditions. This variant is present in population databases (rs776535706, gnomAD 0.003%). This sequence change replaces isoleucine, which is neutral and non-polar, with methionine, which is neutral and non-polar, at codon 21 of the PIGO protein (p.Ile21Met).

NM_032634.4(PIGO):c.63T>G (p.Ile21Met)

Gene: PIGO (phosphatidylinositol glycan anchor biosynthesis class O; minus strand). Cytogenetic location: 9p13.3.
Variant type: single nucleotide variant.
Coding change: c.63T>G on transcript NM_032634.4 (MANE Select); coding-DNA position 63, T replaced by G.
Protein change: p.Ile21Met; replaces isoleucine 21 with methionine.
Molecular consequence: missense variant.
Genome position (GRCh38, 1-based): chr9:35,095,503, A>C on the plus strand (T>G on the coding strand, the complement: PIGO is on the minus strand). VCF-style: chr9-35095503-A-C. GRCh37 (hg19) VCF-style: chr9-35095500-A-C.
Other names: c.63T>G, p.Ile21Met (NM_001201484.2, NM_152850.4); short protein forms I21M.
Identifiers: ClinVar variation 1385179 (VCV001385179.8), dbSNP rs776535706, ClinGen allele CA5041013.